The following is an entry in ClinVar:

NM_000030.3(AGXT):c.322T>C (p.Trp108Arg)

Gene: AGXT (alanine--glyoxylate aminotransferase; plus strand). Cytogenetic location: 2q37.3.
Variant type: single nucleotide variant.
Coding change: c.322T>C on transcript NM_000030.3 (MANE Select); coding-DNA position 322, T replaced by C.
Protein change: p.Trp108Arg; replaces tryptophan 108 with arginine.
Molecular consequence: missense variant.
Genome position (GRCh38, 1-based): chr2:240,869,326, T>C. VCF-style: chr2-240869326-T-C. GRCh37 (hg19) VCF-style: chr2-241808743-T-C.
Other names: short protein forms W108R.
Identifiers: ClinVar variation 188891 (VCV000188891.23), dbSNP rs180177197, ClinGen allele CA274089.
Genomic context (GRCh38, chr2:240,869,326, plus strand): 5'-GCCGCCCTGGTCAATGTGCTGGAGCCTGGGGACTCCTTCCTGGTTGGGGCCAATGGCATT[T>C]GGGGGCAGCGAGCCGTGGACATCGGGGAGCGCATAGGTAAGGGAGAGGCCCAGGTGGGGA-3'
Protein context (NP_000021.1, residues 98-118): DSFLVGANGI[Trp108Arg]GQRAVDIGER

ClinVar aggregate classification (germline): Pathogenic. Review status: criteria provided, multiple submitters, no conflicts (2 of 4 stars). 8 submissions from 8 submitters: Pathogenic (4). 4 of the submissions do not count toward it. Last evaluated 2024-03-05.

Conditions:
AGXT-related disorder. Also called: AGXT-related condition.
Primary hyperoxaluria, type I (HP1). Also called: GLYCOLIC ACIDURIA; HEPATIC AGT DEFICIENCY; OXALOSIS I; Primary hyperoxaluria type 1. Identifiers: Orphanet 416, Orphanet 93598, MedGen C0268164, MONDO:0009823, OMIM 259900. Disease mechanism: loss of function.

Allele frequency attached by ClinVar (database versions not stated): gnomAD exomes 0.00001 and below 0.00001; TOPMed below 0.00001; ExAC 0.00001.
gnomAD v4.1: 12 of 1,609,148 alleles (0.00075%); highest among the groups gnomAD compares: Non-Finnish European, 0.00093%; no homozygotes.

Submissions (8):

Fulgent Genetics
Classification: Pathogenic for Primary hyperoxaluria, type I. Last evaluated: 2024-03-05. Review status: criteria provided, single submitter. Criteria: ACMG Guidelines, 2015. Collection method: clinical testing. Allele origin: germline.

Labcorp Genetics (formerly Invitae), Labcorp
Classification: Pathogenic. Last evaluated: 2023-10-14. Review status: criteria provided, single submitter. Criteria: Invitae Variant Classification Sherloc (09022015). Collection method: clinical testing. Allele origin: germline.
Comment: This sequence change replaces tryptophan, which is neutral and slightly polar, with arginine, which is basic and polar, at codon 108 of the AGXT protein (p.Trp108Arg). This variant is present in population databases (rs180177197, gnomAD 0.0009%). This missense change has been observed in individuals with AGXT-related conditions (PMID: 9604803, 15961946, 27935012; Invitae). ClinVar contains an entry for this variant (Variation ID: 188891). Advanced modeling of protein sequence and biophysical properties (such as structural, functional, and spatial information, amino acid conservation, physicochemical variation, residue mobility, and thermodynamic stability) performed at Invitae indicates that this missense variant is expected to disrupt AGXT protein function. Experimental studies have shown that this missense change affects AGXT function (PMID: 18448374, 22018727, 24718375). For these reasons, this variant has been classified as Pathogenic.

Revvity Omics, Revvity
Classification: Pathogenic for Primary hyperoxaluria, type I. Last evaluated: 2022-09-22. Review status: criteria provided, single submitter. Criteria: ACMG Guidelines, 2015. Collection method: clinical testing. Allele origin: germline.

Kariminejad - Najmabadi Pathology & Genetics Center
Classification: Pathogenic for Primary hyperoxaluria, type I. Review status: criteria provided, single submitter. Criteria: ACMG Guidelines, 2015. Collection method: clinical testing. Allele origin: germline. Affected: no.

PreventionGenetics, part of Exact Sciences
Classification: Pathogenic for AGXT-related condition. Last evaluated: 2024-03-30. Review status: no assertion criteria provided. Collection method: clinical testing. Allele origin: germline. Not counted in ClinVar's aggregate classification.
Comment: The AGXT c.322T>C variant is predicted to result in the amino acid substitution p.Trp108Arg. This variant has been reported in the compound heterozygous and homozygous states in multiple individuals with hyperoxaluria (von Schnakenburg and Rumsby. 1998. PubMed ID: 9604803; Table 2, M'dimegh et al. 2016. PubMed ID: 27935012; Table 1, Murad et al. 2021. PubMed ID: 34082749). This variant is reported in 0.00090% of alleles in individuals of European (non-Finnish) descent in gnomAD. In vitro experimental studies suggest this variant affects the stability and enzymatic activity of the protein (Table 2, Oppici et al. 2011. PubMed ID: 22018727; Table 1, Pittman et al. 2012. PubMed ID: 22923379). This variant is interpreted as pathogenic.

Natera, Inc.
Classification: Pathogenic for Primary hyperoxaluria type I. Last evaluated: 2020-09-16. Review status: no assertion criteria provided. Collection method: clinical testing. Allele origin: germline. Not counted in ClinVar's aggregate classification.

Clinical Biochemistry Laboratory, Health Services Laboratory
Classification: Pathogenic for Primary hyperoxaluria, type I. Last evaluated: 2014-11-27. Review status: no assertion criteria provided. Collection method: in vitro. Allele origin: germline. Affected: yes. Not counted in ClinVar's aggregate classification.

Counsyl
Classification: Likely pathogenic for Primary hyperoxaluria, type I. Last evaluated: 2014-07-19. Review status: no assertion criteria provided. Collection method: literature only. Allele origin: unknown. Inheritance: Autosomal recessive inheritance. Not counted in ClinVar's aggregate classification.

Literature cited by the submitters: PubMed 9604803 (cited by 3 submitters); PubMed 15961946 (cited by Labcorp Genetics (formerly Invitae), Labcorp and Counsyl); PubMed 27935012 (cited by Labcorp Genetics (formerly Invitae), Labcorp); PubMed 18448374 (cited by Labcorp Genetics (formerly Invitae), Labcorp and Counsyl); PubMed 22018727 (cited by Labcorp Genetics (formerly Invitae), Labcorp and Counsyl); PubMed 24718375 (cited by 3 submitters); PubMed 16971151 (cited by Clinical Biochemistry Laboratory, Health Services Laboratory and Counsyl); PubMed 11562405 (cited by Counsyl); PubMed 22923379 (cited by Counsyl); PubMed 17460142 (cited by Counsyl); PubMed 12768081 (cited by Counsyl); PubMed 15464418 (cited by Counsyl).